The following is an entry in ClinVar:

NM_000535.7(PMS2):c.1462G>A (p.Ala488Thr)

Gene: PMS2 (PMS1 homolog 2, mismatch repair system component; minus strand). Cytogenetic location: 7p22.1.
Variant type: single nucleotide variant.
Coding change: c.1462G>A on transcript NM_000535.7 (MANE Select); coding-DNA position 1462, G replaced by A.
Protein change: p.Ala488Thr; replaces alanine 488 with threonine.
Molecular consequence: missense variant. On other transcripts: non-coding transcript variant (1).
Genome position (GRCh38, 1-based): chr7:5,987,303, C>T on the plus strand (G>A on the coding strand, the complement: PMS2 is on the minus strand). VCF-style: chr7-5987303-C-T. GRCh37 (hg19) VCF-style: chr7-6026934-C-T.
Other names: c.1057G>A, p.Ala353Thr (NM_001322003.2, NM_001322004.2, NM_001322005.2 and 1 more transcripts); c.1306G>A, p.Ala436Thr (NM_001322006.2); c.1144G>A, p.Ala382Thr (NM_001322007.2, NM_001322008.2); c.901G>A, p.Ala301Thr (NM_001322010.2); c.529G>A, p.Ala177Thr (NM_001322011.2, NM_001322012.2); c.889G>A, p.Ala297Thr (NM_001322013.2); c.1462G>A, p.Ala488Thr (NM_001322014.2); c.1153G>A, p.Ala385Thr (NM_001322015.2); short protein forms A382T, A436T, A177T, A297T, A385T, A488T, A301T, A353T.
Identifiers: ClinVar variation 934906 (VCV000934906.13), dbSNP rs1783084396, ClinGen allele CA366741902.

ClinVar aggregate classification (germline): Conflicting classifications of pathogenicity. Review status: criteria provided, conflicting classifications (1 of 4 stars). 3 submissions from 3 submitters: Uncertain significance (1); Likely benign (2). Last evaluated 2026-01-06.

Conditions:
Hereditary nonpolyposis colorectal neoplasms. Identifiers: MedGen C0009405, MeSH D003123.
Hereditary cancer-predisposing syndrome. Also called: Neoplastic Syndromes, Hereditary; Hereditary Cancer Syndrome; Hereditary neoplastic syndrome; Tumor predisposition. Identifiers: Orphanet 140162, MedGen C0027672, MeSH D009386, MONDO:0015356.

Submissions (3):

Labcorp Genetics (formerly Invitae), Labcorp
Classification: Uncertain significance for Hereditary nonpolyposis colorectal neoplasms. Last evaluated: 2026-01-06. Review status: criteria provided, single submitter. Criteria: Invitae Variant Classification Sherloc (09022015). Collection method: clinical testing. Allele origin: germline.
Comment: This sequence change replaces alanine, which is neutral and non-polar, with threonine, which is neutral and polar, at codon 488 of the PMS2 protein (p.Ala488Thr). This variant is not present in population databases (gnomAD no frequency). This variant has not been reported in the literature in individuals affected with PMS2-related conditions. ClinVar contains an entry for this variant (Variation ID: 934906). Invitae Evidence Modeling incorporating data from in vitro experimental studies (internal data) indicates that this missense variant is not expected to disrupt PMS2 function with a negative predictive value of 95%. In summary, the available evidence is currently insufficient to determine the role of this variant in disease. Therefore, it has been classified as a Variant of Uncertain Significance.

Color Diagnostics, LLC DBA Color Health
Classification: Likely benign for Hereditary cancer-predisposing syndrome. Last evaluated: 2024-10-17. Review status: criteria provided, single submitter. Criteria: ACMG Guidelines, 2015. Collection method: clinical testing. Allele origin: germline.

Ambry Genetics
Classification: Likely benign for Hereditary cancer-predisposing syndrome. Last evaluated: 2024-07-08. Review status: criteria provided, single submitter. Criteria: Ambry Variant Classification Scheme 2023. Collection method: clinical testing. Allele origin: germline.